The following is an entry in ClinVar:

ClinVar aggregate classification (germline): Benign (0 of 4 stars; one submission).

Conditions:
MYOM2-related disorder. Also called: MYOM2-related condition.

Allele frequency attached by ClinVar (database versions not stated): gnomAD exomes 0.00107; ExAC 0.00328; gnomAD 0.00975; TOPMed 0.01083; ESP Exome Variant Server 0.01169; 1000 Genomes Project 30x 0.01249; 1000 Genomes Project 0.01298.
gnomAD v4.1: 3,154 of 1,614,050 alleles (0.2%); highest among the groups gnomAD compares: African/African-American, 3.5%; 46 homozygotes.

Submission:

PreventionGenetics, part of Exact Sciences
Classification: Benign for MYOM2-related condition. Last evaluated: 2019-04-25. Review status: no assertion criteria provided. Collection method: clinical testing. Allele origin: germline.
Comment: This variant is classified as benign based on ACMG/AMP sequence variant interpretation guidelines (Richards et al. 2015 PMID: 25741868, with internal and published modifications).

NM_003970.4(MYOM2):c.4056C>T (p.Asp1352=)

Gene: MYOM2 (myomesin 2; plus strand). Cytogenetic location: 8p23.3.
Variant type: single nucleotide variant.
Coding change: c.4056C>T on transcript NM_003970.4 (MANE Select); coding-DNA position 4056, C replaced by T.
Protein change: p.Asp1352=; no amino-acid change (aspartic acid 1352 retained).
Molecular consequence: synonymous variant.
Genome position (GRCh38, 1-based): chr8:2,143,432, C>T. VCF-style: chr8-2143432-C-T. GRCh37 (hg19) VCF-style: chr8-2091356-C-T.
Identifiers: ClinVar variation 3039136 (VCV003039136.2), dbSNP rs35321833, ClinGen allele CA170466951.
Genomic context (GRCh38, chr8:2,143,432, plus strand): 5'-TTCCTAACCAAGGTGCTTTCCCGTTGCAGATCGTGGCAGGTTGATCGGCGGCTTGCCTGA[C>T]GTGGTGACCATCATGGAAGGGAAGGTGAGGATTCTAAACTCGGCCGGGGTGGGGGTGTCA-3'
Protein context (NP_003961.3, residues 1342-1362): NRGRLIGGLP[Asp1352=]VVTIMEGKTL